The following is an entry in ClinVar:

ClinVar aggregate classification (germline): Pathogenic/Likely pathogenic. Review status: criteria provided, multiple submitters, no conflicts (2 of 4 stars). 3 submissions from 3 submitters: Pathogenic (1); Likely pathogenic (1). 1 of the submissions does not count toward it. Last evaluated 2023-06-02.

Conditions:
LAMA2-related disorder. Also called: LAMA2-related condition; LAMA2-related disorders.
LAMA2-related muscular dystrophy (LAMA2-RD). Also called: Laminin alpha 2-related dystrophy. Identifiers: MedGen C5679788, MONDO:0100228.
Merosin deficient congenital muscular dystrophy (MDC1A). Also called: Congenital merosin-deficient muscular dystrophy 1A; Congenital Muscular Dystrophy Type 1A (MDC1A). Identifiers: Orphanet 258, MedGen C1263858, MONDO:0011925, OMIM 607855.

Allele frequency attached by ClinVar (database versions not stated): gnomAD exomes below 0.00001.
gnomAD v4.1: 2 of 1,609,038 alleles (0.00012%); highest among the groups gnomAD compares: Non-Finnish European, 0.00017%; no homozygotes.

Submissions (3):

Labcorp Genetics (formerly Invitae), Labcorp
Classification: Pathogenic for LAMA2-related muscular dystrophy. Last evaluated: 2023-06-02. Review status: criteria provided, single submitter. Criteria: Invitae Variant Classification Sherloc (09022015). Collection method: clinical testing. Allele origin: germline.
Comment: ClinVar contains an entry for this variant (Variation ID: 477495). Disruption of this splice site has been observed in individual(s) with clinical symptoms of muscular dystrophy (Invitae). In at least one individual the data is consistent with being in trans (on the opposite chromosome) from a pathogenic variant. This variant is not present in population databases (gnomAD no frequency). This sequence change affects an acceptor splice site in intron 40 of the LAMA2 gene. It is expected to disrupt RNA splicing. Variants that disrupt the donor or acceptor splice site typically lead to a loss of protein function (PMID: 16199547), and loss-of-function variants in LAMA2 are known to be pathogenic (PMID: 18700894, 32904964). Algorithms developed to predict the effect of sequence changes on RNA splicing suggest that this variant may disrupt the consensus splice site. For these reasons, this variant has been classified as Pathogenic.

Blueprint Genetics
Classification: Likely pathogenic for LAMA2-related disorders. Last evaluated: 2020-03-30. Review status: criteria provided, single submitter. Criteria: ACMG Guidelines, 2015. Collection method: clinical testing. Allele origin: germline. Affected: yes. Observed: 1 variant allele.

Counsyl
Classification: Likely pathogenic for Merosin deficient congenital muscular dystrophy. Last evaluated: 2017-08-03. Review status: no assertion criteria provided. Collection method: clinical testing. Allele origin: unknown. Not counted in ClinVar's aggregate classification.

Literature cited by the submitters: PubMed 16199547 (cited by Labcorp Genetics (formerly Invitae), Labcorp); PubMed 18700894 (cited by Labcorp Genetics (formerly Invitae), Labcorp); PubMed 32904964 (cited by Labcorp Genetics (formerly Invitae), Labcorp).

NM_000426.4(LAMA2):c.5866-2A>G

Gene: LAMA2 (laminin subunit alpha 2; plus strand). Cytogenetic location: 6q22.33.
Variant type: single nucleotide variant.
Coding change: c.5866-2A>G on transcript NM_000426.4 (MANE Select); the canonical splice acceptor site of the intron before coding-DNA position 5866, A replaced by G.
Molecular consequence: splice acceptor variant.
Genome position (GRCh38, 1-based): chr6:129,427,750, A>G. VCF-style: chr6-129427750-A-G. GRCh37 (hg19) VCF-style: chr6-129748895-A-G.
Other names: c.5866-2A>G (NM_001079823.2).
Identifiers: ClinVar variation 477495 (VCV000477495.13), dbSNP rs1554295204, ClinGen allele CA365623861.